The following is an entry in ClinVar:

NM_001376571.1(MADD):c.2096G>A (p.Arg699His)

Gene: MADD (MAP kinase activating death domain; plus strand). Cytogenetic location: 11p11.2.
Variant type: single nucleotide variant.
Coding change: c.2096G>A on transcript NM_001376571.1 (MANE Select); coding-DNA position 2096, G replaced by A.
Protein change: p.Arg699His; replaces arginine 699 with histidine.
Molecular consequence: missense variant. On other transcripts: non-coding transcript variant (8).
Genome position (GRCh38, 1-based): chr11:47,284,504, G>A. VCF-style: chr11-47284504-G-A. GRCh37 (hg19) VCF-style: chr11-47306055-G-A.
Other names: c.2096G>A (NM_003682.3); c.2096G>A, p.Arg699His (NM_001376596.1, NM_001376597.1, NM_001376598.1 and 79 more transcripts); c.2072G>A, p.Arg691His (NM_001376602.1); c.1892G>A, p.Arg631His (NM_001376620.1, NM_001376626.1, NM_001376627.1 and 9 more transcripts); c.1430G>A, p.Arg477His (NM_001376663.1); short protein forms R477H, R631H, R691H, R699H.
Identifiers: ClinVar variation 1175794 (VCV001175794.37), dbSNP rs751993844, ClinGen allele CA5974332.

ClinVar aggregate classification (germline): Uncertain significance. Review status: criteria provided, multiple submitters, no conflicts (2 of 4 stars). 3 submissions from 3 submitters: Uncertain significance (3). Last evaluated 2024-06-19.

Conditions:
Inborn genetic diseases. Identifiers: MedGen C0950123, MeSH D030342.

Allele frequency attached by ClinVar (database versions not stated): gnomAD 0.00002; TOPMed 0.00002.

Submissions (3):

Ambry Genetics
Classification: Uncertain significance for Inborn genetic diseases. Last evaluated: 2024-06-19. Review status: criteria provided, single submitter. Criteria: Ambry Variant Classification Scheme 2023. Collection method: clinical testing. Allele origin: germline.

GeneDx
Classification: Uncertain significance. Last evaluated: 2024-01-09. Review status: criteria provided, single submitter. Criteria: GeneDx Variant Classification Process June 2021. Collection method: clinical testing. Allele origin: germline. Affected: yes.
Comment: In silico analysis supports that this missense variant does not alter protein structure/function; Has not been previously published as pathogenic or benign to our knowledge

CeGaT Center for Human Genetics Tuebingen
Classification: Uncertain significance. Last evaluated: 2021-02-01. Review status: criteria provided, single submitter. Criteria: CeGaT Center For Human Genetics Tuebingen Variant Classification Criteria Version 2. Collection method: clinical testing. Allele origin: germline. Affected: yes. Observed: 4 variant alleles.